The following is an entry in ClinVar:

ClinVar aggregate classification (germline): Uncertain significance. Review status: criteria provided, multiple submitters, no conflicts (2 of 4 stars). 2 submissions from 2 submitters: Uncertain significance (2). Last evaluated 2023-04-21.

Allele frequency attached by ClinVar (database versions not stated): gnomAD exomes below 0.00001; TOPMed below 0.00001.
gnomAD v4.1: 5 of 1,614,084 alleles (0.00031%); highest among the groups gnomAD compares: Admixed American, 0.0033%; no homozygotes.

Submissions (2):

Blueprint Genetics
Classification: Uncertain significance. Last evaluated: 2023-04-21. Review status: criteria provided, single submitter. Criteria: ACMG Guidelines, 2015. Collection method: clinical testing. Allele origin: germline.

Labcorp Genetics (formerly Invitae), Labcorp
Classification: Uncertain significance. Last evaluated: 2022-09-02. Review status: criteria provided, single submitter. Criteria: Invitae Variant Classification Sherloc (09022015). Collection method: clinical testing. Allele origin: germline.
Comment: This variant has not been reported in the literature in individuals affected with MYO6-related conditions. In summary, the available evidence is currently insufficient to determine the role of this variant in disease. Therefore, it has been classified as a Variant of Uncertain Significance. Algorithms developed to predict the effect of missense changes on protein structure and function are either unavailable or do not agree on the potential impact of this missense change (SIFT: "Deleterious"; PolyPhen-2: "Not Available"; Align-GVGD: "Class C65"). This variant is present in population databases (no rsID available, gnomAD 0.003%). This sequence change replaces tyrosine, which is neutral and polar, with cysteine, which is neutral and slightly polar, at codon 428 of the MYO6 protein (p.Tyr428Cys).

NM_004999.4(MYO6):c.1283A>G (p.Tyr428Cys)

Gene: MYO6 (myosin VI; plus strand). Cytogenetic location: 6q14.1.
Variant type: single nucleotide variant.
Coding change: c.1283A>G on transcript NM_004999.4 (MANE Select); coding-DNA position 1283, A replaced by G.
Protein change: p.Tyr428Cys; replaces tyrosine 428 with cysteine.
Molecular consequence: missense variant. On other transcripts: non-coding transcript variant (1).
Genome position (GRCh38, 1-based): chr6:75,857,156, A>G. VCF-style: chr6-75857156-A-G. GRCh37 (hg19) VCF-style: chr6-76566873-A-G.
Other names: c.1283A>G, p.Tyr428Cys (NM_001300899.2, NM_001368136.1, NM_001368137.1 and 2 more transcripts); c.1268A>G, p.Tyr423Cys (NM_001368138.1); short protein forms Y423C, Y428C.
Identifiers: ClinVar variation 1976144 (VCV001976144.6), dbSNP rs1225252379, ClinGen allele CA364759609.
Genomic context (GRCh38, chr6:75,857,156, plus strand): 5'-GGGTACCTCTGAAAGTGGAGCAAGCAAACAATGCTCGTGATGCCCTGGCAAAGACAGTGT[A>G]TAGCCATCTTTTTGATCATGTGGTAAACAGAGTAAATCAGTGTTTTCCTTTTGAAACATC-3'
Protein context (NP_004990.3, residues 418-438): NARDALAKTV[Tyr428Cys]SHLFDHVVNR